The following is an entry in ClinVar:

NM_001290060.2(SEMA3B):c.1967G>A (p.Arg656His)

Gene: SEMA3B (semaphorin 3B; plus strand). Cytogenetic location: 3p21.31.
Variant type: single nucleotide variant.
Coding change: c.1967G>A on transcript NM_001290060.2 (MANE Select); coding-DNA position 1967, G replaced by A.
Protein change: p.Arg656His; replaces arginine 656 with histidine.
Molecular consequence: missense variant. On other transcripts: non-coding transcript variant (1).
Genome position (GRCh38, 1-based): chr3:50,276,423, G>A. VCF-style: chr3-50276423-G-A. GRCh37 (hg19) VCF-style: chr3-50313854-G-A.
Other names: c.1964G>A, p.Arg655His (NM_001005914.3, NM_001435957.1, NM_001435958.1); c.1982G>A, p.Arg661His (NM_001290061.1); c.938G>A, p.Arg313His (NM_001290062.2, NM_001290063.2); c.1967G>A, p.Arg656His (NM_001435956.1, NM_004636.4); short protein forms R313H, R661H, R655H, R656H.
Identifiers: ClinVar variation 4984465 (VCV004984465.1).

ClinVar aggregate classification (germline): Uncertain significance (1 of 4 stars; one submission).

Conditions:
SEMA3B-related disorder. Also called: SEMA3B-related condition.

Submission:

PreventionGenetics, part of Exact Sciences
Classification: Uncertain significance for SEMA3B-related condition. Last evaluated: 2026-08-24. Review status: criteria provided, single submitter. Criteria: ACMG Guidelines, 2015. Collection method: clinical testing. Allele origin: germline.
Comment: The SEMA3B c.1982G>A variant is predicted to result in the amino acid substitution p.Arg661His. To our knowledge, this variant has not been reported in the literature or in a large population database (gnomAD), indicating this variant is rare. At this time, the clinical significance of this variant is uncertain due to the absence of conclusive functional and genetic evidence.